The following is an entry in ClinVar:

ClinVar aggregate classification (germline): Likely benign. Review status: criteria provided, single submitter (1 of 4 stars). 2 submissions from 2 submitters: Likely benign (1). 1 of the submissions does not count toward it. Last evaluated 2024-09-01.

Conditions:
DNAH17-related disorder. Also called: DNAH17-related condition.

Allele frequency attached by ClinVar (database versions not stated): ESP Exome Variant Server 0.00377; 1000 Genomes Project 0.00060; 1000 Genomes Project 30x 0.00062; TOPMed 0.00232; gnomAD 0.00301; ExAC 0.00345; gnomAD exomes 0.00360.
gnomAD v4.1: 5,639 of 1,613,664 alleles (0.35%); highest among the groups gnomAD compares: Non-Finnish European, 0.4%; 14 homozygotes.

Submissions (2):

CeGaT Center for Human Genetics Tuebingen
Classification: Likely benign. Last evaluated: 2024-09-01. Review status: criteria provided, single submitter. Criteria: CeGaT Center For Human Genetics Tuebingen Variant Classification Criteria Version 2. Collection method: clinical testing. Allele origin: germline. Affected: yes. Observed: 3 variant alleles.
Comment: DNAH17: BP4, BP7, BS2

PreventionGenetics, part of Exact Sciences
Classification: Likely benign for DNAH17-related condition. Last evaluated: 2019-03-08. Review status: no assertion criteria provided. Collection method: clinical testing. Allele origin: germline. Not counted in ClinVar's aggregate classification.
Comment: This variant is classified as likely benign based on ACMG/AMP sequence variant interpretation guidelines (Richards et al. 2015 PMID: 25741868, with internal and published modifications).

NM_173628.4(DNAH17):c.1638A>G (p.Ser546=)

Gene: DNAH17 (dynein axonemal heavy chain 17; minus strand). Cytogenetic location: 17q25.3.
Variant type: single nucleotide variant.
Coding change: c.1638A>G on transcript NM_173628.4 (MANE Select); coding-DNA position 1638, A replaced by G.
Protein change: p.Ser546=; no amino-acid change (serine 546 retained).
Molecular consequence: synonymous variant.
Genome position (GRCh38, 1-based): chr17:78,561,912, T>C on the plus strand (A>G on the coding strand, the complement: DNAH17 is on the minus strand). VCF-style: chr17-78561912-T-C. GRCh37 (hg19) VCF-style: chr17-76557994-T-C.
Other names: c.1638A>G (NM_173628.3).
Identifiers: ClinVar variation 2648376 (VCV002648376.25), dbSNP rs139704186, ClinGen allele CA8805069.
Genomic context (GRCh38, chr17:78,561,912, plus strand): 5'-CTGGGCATCGTACAAGATCTTAGCATTGTCTAGCTCAGCGTCAAACAGCTCCAGCATGAC[T>C]GAATACCTGGGCGCCACCTCGGCAAGAATCAGGGGCCGCTCCATGAGGCCCCCACACATG-3'
Protein context (NP_775899.3, residues 536-556): LILAEVAPRY[Ser546=]VMLELFDAEL